The following is an entry in ClinVar:

NM_001692.4(ATP6V1B1):c.786-63C>G

Gene: ATP6V1B1 (ATPase H+ transporting V1 subunit B1; plus strand). Cytogenetic location: 2p13.3.
Variant type: single nucleotide variant.
Coding change: c.786-63C>G on transcript NM_001692.4 (MANE Select); 63 bases into the intron before coding-DNA position 786, C replaced by G.
Molecular consequence: intron variant.
Genome position (GRCh38, 1-based): chr2:70,962,714, C>G. VCF-style: chr2-70962714-C-G. GRCh37 (hg19) VCF-style: chr2-71189844-C-G.
Identifiers: ClinVar variation 682986 (VCV000682986.2), dbSNP rs73937083, ClinGen allele CA49702547.

ClinVar aggregate classification (germline): Likely benign. Review status: criteria provided, multiple submitters, no conflicts (2 of 4 stars). 2 submissions from 2 submitters: Likely benign (2). Last evaluated 2018-06-16.

Allele frequency attached by ClinVar (database versions not stated): gnomAD exomes 0.00086; gnomAD 0.00965 and 0.01036; TOPMed 0.01071; 1000 Genomes Project 0.01098; 1000 Genomes Project 30x 0.01187.
gnomAD v4.1: 2,746 of 1,606,194 alleles (0.17%); highest among the groups gnomAD compares: African/African-American, 3.3%; 47 homozygotes.

Submissions (2):

GeneDx
Classification: Likely benign. Last evaluated: 2018-06-16. Review status: criteria provided, single submitter. Criteria: GeneDx Variant Classification (06012015). Collection method: clinical testing. Allele origin: germline. Affected: yes.
Comment: This variant is considered likely benign or benign based on one or more of the following criteria: it is a conservative change, it occurs at a poorly conserved position in the protein, it is predicted to be benign by multiple in silico algorithms, and/or has population frequency not consistent with disease.

Breakthrough Genomics
Classification: Likely benign. Review status: criteria provided, single submitter. Criteria: ACMG Guidelines, 2015. Collection method: not provided. Allele origin: germline. Inheritance: Autosomal recessive inheritance. Affected: yes.